The following is an entry in ClinVar:

ClinVar aggregate classification (germline): Likely pathogenic (1 of 4 stars; one submission).

Conditions:
Symmetrical dyschromatosis of extremities (DSH). Also called: DYSCHROMATOSIS SYMMETRICA HEREDITARIA 1; RETICULATE ACROPIGMENTATION OF DOHI; SYMMETRIC DYSCHROMATOSIS OF THE EXTREMITIES; Dyschromatosis symmetrica hereditaria. Identifiers: Orphanet 41, MedGen C0406775, MONDO:0007483, OMIM 127400.

Submission:

MVZ Medizinische Genetik Mainz
Classification: Likely pathogenic for Symmetrical dyschromatosis of extremities. Last evaluated: 2025-02-28. Review status: criteria provided, single submitter. Criteria: UK Practice Guidelines For Variant Classification V4 01 2020. Collection method: clinical testing. Allele origin: germline. Inheritance: Autosomal dominant inheritance. Affected: yes. Observed: 1 variant allele.
Comment: ACMG Criteria: PVS1,PM2_SUP

NM_001111.5(ADAR):c.2953_2954del (p.Glu985fs)

Gene: ADAR (adenosine deaminase RNA specific; minus strand). Cytogenetic location: 1q21.3.
Variant type: Deletion.
Coding change: c.2953_2954del on transcript NM_001111.5 (MANE Select); coding-DNA positions 2953 to 2954, 2 bases deleted (GA; older notation c.2953_2954delGA).
Protein change: p.Glu985fs; shifts the reading frame from glutamic acid 985.
Molecular consequence: frameshift variant.
Genome position (GRCh38, 1-based): chr1:154,588,190-154,588,191, TC deleted on the plus strand (GA on the coding strand, the reverse complement: ADAR is on the minus strand); deleting any 2 consecutive bases within chr1:154,588,190-154,588,192 gives the same sequence; the c. name uses the placement nearest the transcript's 3' end. VCF-style (leftmost placement, unchanged base first): chr1-154588189-TTC-T. GRCh37 (hg19) VCF-style: chr1-154560665-TTC-T.
Other names: c.2068_2069del, p.Glu690fs (NM_001025107.3, NM_001193495.2, NM_001365046.1 and 2 more transcripts); c.2980_2981del, p.Glu994fs (NM_001365045.1); c.1990_1991del, p.Glu664fs (NM_001365049.1); c.2875_2876del, p.Glu959fs (NM_015840.4); c.2818_2819del, p.Glu940fs (NM_015841.4); short protein forms E664fs, E690fs, E940fs, E959fs, E985fs, E994fs.
Identifiers: ClinVar variation 3774571 (VCV003774571.1).